The following is an entry in ClinVar:

NM_001292063.2(OTOG):c.592G>C (p.Val198Leu)

Gene: OTOG (otogelin; plus strand). Cytogenetic location: 11p15.1.
Variant type: single nucleotide variant.
Coding change: c.592G>C on transcript NM_001292063.2 (MANE Select); coding-DNA position 592, G replaced by C.
Protein change: p.Val198Leu; replaces valine 198 with leucine.
Molecular consequence: missense variant.
Genome position (GRCh38, 1-based): chr11:17,555,830, G>C. VCF-style: chr11-17555830-G-C. GRCh37 (hg19) VCF-style: chr11-17577377-G-C.
Other names: c.628G>C, p.Val210Leu (NM_001277269.2); short protein forms V198L, V210L.
Identifiers: ClinVar variation 3623205 (VCV003623205.2).

ClinVar aggregate classification (germline): Uncertain significance (1 of 4 stars; one submission).

gnomAD v4.1: 15 of 1,550,884 alleles (0.00097%); highest among the groups gnomAD compares: South Asian, 0.018%; no homozygotes.

Submission:

Labcorp Genetics (formerly Invitae), Labcorp
Classification: Uncertain significance. Last evaluated: 2024-02-06. Review status: criteria provided, single submitter. Criteria: Invitae Variant Classification Sherloc (09022015). Collection method: clinical testing. Allele origin: germline.
Comment: This sequence change replaces valine, which is neutral and non-polar, with leucine, which is neutral and non-polar, at codon 210 of the OTOG protein (p.Val210Leu). This variant is present in population databases (rs750951178, gnomAD 0.02%). This variant has not been reported in the literature in individuals affected with OTOG-related conditions. An algorithm developed to predict the effect of missense changes on protein structure and function (PolyPhen-2) suggests that this variant is likely to be tolerated. In summary, the available evidence is currently insufficient to determine the role of this variant in disease. Therefore, it has been classified as a Variant of Uncertain Significance.